The following is an entry in ClinVar:

ClinVar aggregate classification (germline): Uncertain significance. Review status: criteria provided, multiple submitters, no conflicts (2 of 4 stars). 3 submissions from 3 submitters: Uncertain significance (3). Last evaluated 2025-08-20.

Conditions:
Inborn genetic diseases. Identifiers: MedGen C0950123, MeSH D030342.
Charcot-Marie-Tooth disease axonal type 2S. Also called: CHARCOT-MARIE-TOOTH NEUROPATHY, TYPE 2S; CHARCOT-MARIE-TOOTH DISEASE, AXONAL, AUTOSOMAL RECESSIVE, TYPE 2S. Identifiers: Orphanet 443073, MedGen C4015349, MONDO:0014511, OMIM 616155.
Autosomal recessive distal spinal muscular atrophy 1. Also called: HMN VI; NEURONOPATHY, SEVERE INFANTILE AXONAL, WITH RESPIRATORY FAILURE; NEURONOPATHY, DISTAL HEREDITARY MOTOR, HARDING TYPE VI; NEUROPATHY, DISTAL HEREDITARY MOTOR, AUTOSOMAL RECESSIVE 1; SEVERE INFANTILE AXONAL NEUROPATHY WITH RESPIRATORY FAILURE; SPINAL MUSCULAR ATROPHY, DIAPHRAGMATIC. Identifiers: Orphanet 98920, MedGen C1858517, MONDO:0011436, OMIM 604320.

Allele frequency attached by ClinVar (database versions not stated): gnomAD exomes below 0.00001 and 0.00001; TOPMed 0.00001; ExAC 0.00002.
gnomAD v4.1: 4 of 1,613,790 alleles (0.00025%); highest among the groups gnomAD compares: Admixed American, 0.0033%; no homozygotes.

Submissions (3):

Ambry Genetics
Classification: Uncertain significance for Inborn genetic diseases. Last evaluated: 2025-08-20. Review status: criteria provided, single submitter. Criteria: Ambry Variant Classification Scheme 2023. Collection method: clinical testing. Allele origin: germline.

Women's Health and Genetics/Laboratory Corporation of America, LabCorp
Classification: Uncertain significance. Last evaluated: 2025-07-21. Review status: criteria provided, single submitter. Criteria: LabCorp Variant Classification Summary - May 2015. Collection method: clinical testing. Allele origin: germline.
Comment: Variant summary: IGHMBP2 c.286A>G (p.Asn96Asp) results in a conservative amino acid change in the encoded protein sequence. Algorithms developed to predict the effect of missense changes on protein structure and function all suggest that this variant is likely to be tolerated. The variant allele was found at a frequency of 1.2e-05 in 251438 control chromosomes. The available data on variant occurrences in the general population are insufficient to allow any conclusion about variant significance. To our knowledge, no occurrence of c.286A>G in individuals affected with Charcot-Marie-Tooth disease axonal type 2S and no experimental evidence demonstrating its impact on protein function have been reported. ClinVar contains an entry for this variant (Variation ID: 566499). Based on the evidence outlined above, the variant was classified as uncertain significance.

Labcorp Genetics (formerly Invitae), Labcorp
Classification: Uncertain significance for Autosomal recessive distal spinal muscular atrophy 1; Charcot-Marie-Tooth disease axonal type 2S. Last evaluated: 2021-09-01. Review status: criteria provided, single submitter. Criteria: Invitae Variant Classification Sherloc (09022015). Collection method: clinical testing. Allele origin: germline.
Comment: This sequence change replaces asparagine with aspartic acid at codon 96 of the IGHMBP2 protein (p.Asn96Asp). The asparagine residue is weakly conserved and there is a small physicochemical difference between asparagine and aspartic acid. This variant is present in population databases (rs760004229, ExAC 0.02%). This variant has not been reported in the literature in individuals affected with IGHMBP2-related conditions. Algorithms developed to predict the effect of missense changes on protein structure and function (SIFT, PolyPhen-2, Align-GVGD) all suggest that this variant is likely to be tolerated. In summary, the available evidence is currently insufficient to determine the role of this variant in disease. Therefore, it has been classified as a Variant of Uncertain Significance.

NM_002180.3(IGHMBP2):c.286A>G (p.Asn96Asp)

Gene: IGHMBP2 (immunoglobulin mu DNA binding protein 2; plus strand). Cytogenetic location: 11q13.3.
Variant type: single nucleotide variant.
Coding change: c.286A>G on transcript NM_002180.3 (MANE Select); coding-DNA position 286, A replaced by G.
Protein change: p.Asn96Asp; replaces asparagine 96 with aspartic acid.
Molecular consequence: missense variant.
Genome position (GRCh38, 1-based): chr11:68,908,174, A>G. VCF-style: chr11-68908174-A-G. GRCh37 (hg19) VCF-style: chr11-68675642-A-G.
Other names: short protein forms N96D.
Identifiers: ClinVar variation 566499 (VCV000566499.9), dbSNP rs760004229, ClinGen allele CA6153250.